The following is an entry in ClinVar:

NM_001349253.2(SCN11A):c.973C>A (p.Gln325Lys)

Gene: SCN11A (sodium voltage-gated channel alpha subunit 11; minus strand). Cytogenetic location: 3p22.2.
Variant type: single nucleotide variant.
Coding change: c.973C>A on transcript NM_001349253.2 (MANE Select); coding-DNA position 973, C replaced by A.
Protein change: p.Gln325Lys; replaces glutamine 325 with lysine.
Molecular consequence: missense variant.
Genome position (GRCh38, 1-based): chr3:38,910,194, G>T on the plus strand (C>A on the coding strand, the complement: SCN11A is on the minus strand). VCF-style: chr3-38910194-G-T. GRCh37 (hg19) VCF-style: chr3-38951685-G-T.
Other names: c.973C>A, p.Gln325Lys (NM_014139.3); short protein forms Q325K.
Identifiers: ClinVar variation 2940157 (VCV002940157.3), dbSNP rs912331827, ClinGen allele CA72964695.

ClinVar aggregate classification (germline): Uncertain significance (1 of 4 stars; one submission).

Conditions:
Hereditary sensory and autonomic neuropathy type 7. Also called: HSAN VII; Neuropathy, hereditary sensory and autonomic, type VII. Identifiers: Orphanet 391397, MedGen C3809882, MONDO:0014244, OMIM 615548.
Familial episodic pain syndrome with predominantly lower limb involvement. Also called: Episodic pain syndrome, familial, 3. Identifiers: Orphanet 391384, Orphanet 391392, MedGen C3809899, MONDO:0014247, OMIM 615552.

Allele frequency attached by ClinVar (database versions not stated): gnomAD exomes below 0.00001; TOPMed 0.00002.
gnomAD v4.1: 1 of 1,612,360 alleles (0.000062%); highest among the groups gnomAD compares: African/African-American, 0.0013%; no homozygotes.

Submission:

Labcorp Genetics (formerly Invitae), Labcorp
Classification: Uncertain significance for Familial episodic pain syndrome with predominantly lower limb involvement; Hereditary sensory and autonomic neuropathy type 7. Last evaluated: 2023-11-20. Review status: criteria provided, single submitter. Criteria: Invitae Variant Classification Sherloc (09022015). Collection method: clinical testing. Allele origin: germline.
Comment: This sequence change replaces glutamine, which is neutral and polar, with lysine, which is basic and polar, at codon 325 of the SCN11A protein (p.Gln325Lys). This variant is not present in population databases (gnomAD no frequency). This variant has not been reported in the literature in individuals affected with SCN11A-related conditions. Advanced modeling of protein sequence and biophysical properties (such as structural, functional, and spatial information, amino acid conservation, physicochemical variation, residue mobility, and thermodynamic stability) performed at Invitae indicates that this missense variant is not expected to disrupt SCN11A protein function with a negative predictive value of 80%. In summary, the available evidence is currently insufficient to determine the role of this variant in disease. Therefore, it has been classified as a Variant of Uncertain Significance.